The following is an entry in ClinVar:

NM_001199107.2(TBC1D24):c.368A>G (p.Asn123Ser)

Gene: TBC1D24 (TBC1 domain family member 24; plus strand). Cytogenetic location: 16p13.3.
Variant type: single nucleotide variant.
Coding change: c.368A>G on transcript NM_001199107.2 (MANE Select); coding-DNA position 368, A replaced by G.
Protein change: p.Asn123Ser; replaces asparagine 123 with serine.
Molecular consequence: missense variant.
Genome position (GRCh38, 1-based): chr16:2,496,516, A>G. VCF-style: chr16-2496516-A-G. GRCh37 (hg19) VCF-style: chr16-2546517-A-G.
Other names: c.368A>G, p.Asn123Ser (NM_020705.3); short protein forms N123S.
Identifiers: ClinVar variation 837530 (VCV000837530.10), dbSNP rs1457138817, ClinGen allele CA394375686.

ClinVar aggregate classification (germline): Uncertain significance (1 of 4 stars; one submission).

Conditions:
Developmental and epileptic encephalopathy, 1 (DEE1). Also called: X-linked infantile spasms; West's syndrome; Tonic spasms with clustering, arrest of psychomotor development and hypsarrhythmia on EEG; X-Linked Infantile Spasm Syndrome; OHTAHARA SYNDROME, X-LINKED; INFANTILE SPASM SYNDROME, X-LINKED 1. Identifiers: MedGen C3463992, MONDO:0010632, OMIM 308350. Disease mechanism: loss of function.
Autosomal dominant nonsyndromic hearing loss 65. Also called: TBC1D24-Related Autosomal Dominant Nonsyndromic Hearing Loss (DFNA); Deafness, autosomal dominant 65. Identifiers: Orphanet 90635, MedGen C3892048, MONDO:0014470, OMIM 616044.

Allele frequency attached by ClinVar (database versions not stated): gnomAD exomes below 0.00001.
gnomAD v4.1: 2 of 1,609,102 alleles (0.00012%); highest among the groups gnomAD compares: Admixed American, 0.0017%; no homozygotes.

Submission:

Labcorp Genetics (formerly Invitae), Labcorp
Classification: Uncertain significance for Developmental and epileptic encephalopathy, 1; Autosomal dominant nonsyndromic hearing loss 65. Last evaluated: 2025-10-28. Review status: criteria provided, single submitter. Criteria: Invitae Variant Classification Sherloc (09022015). Collection method: clinical testing. Allele origin: germline.
Comment: This sequence change replaces asparagine, which is neutral and polar, with serine, which is neutral and polar, at codon 123 of the TBC1D24 protein (p.Asn123Ser). This variant is present in population databases (no rsID available, gnomAD 0.003%). This variant has not been reported in the literature in individuals affected with TBC1D24-related conditions. ClinVar contains an entry for this variant (Variation ID: 837530). Invitae Evidence Modeling of protein sequence and biophysical properties (such as structural, functional, and spatial information, amino acid conservation, physicochemical variation, residue mobility, and thermodynamic stability) indicates that this missense variant is not expected to disrupt TBC1D24 protein function with a negative predictive value of 95%. In summary, the available evidence is currently insufficient to determine the role of this variant in disease. Therefore, it has been classified as a Variant of Uncertain Significance.